The following is an entry in ClinVar:

NM_015627.3(LDLRAP1):c.569G>C (p.Gly190Ala)

Gene: LDLRAP1 (low density lipoprotein receptor adaptor protein 1; plus strand). Cytogenetic location: 1p36.11.
Variant type: single nucleotide variant.
Coding change: c.569G>C on transcript NM_015627.3 (MANE Select); coding-DNA position 569, G replaced by C.
Protein change: p.Gly190Ala; replaces glycine 190 with alanine.
Molecular consequence: missense variant.
Genome position (GRCh38, 1-based): chr1:25,563,106, G>C. VCF-style: chr1-25563106-G-C. GRCh37 (hg19) VCF-style: chr1-25889597-G-C.
Other names: short protein forms G190A.
Identifiers: ClinVar variation 2062666 (VCV002062666.3), dbSNP rs201198223, ClinGen allele CA695629.

ClinVar aggregate classification (germline): Conflicting classifications of pathogenicity. Review status: criteria provided, conflicting classifications (1 of 4 stars). 3 submissions from 3 submitters: Uncertain significance (2); Likely benign (1). Last evaluated 2025-02-04.

Conditions:
Hypercholesterolemia, familial, 4 (FHCL4). Also called: HYPERCHOLESTEROLEMIA, AUTOSOMAL RECESSIVE, 1; HYPERCHOLESTEROLEMIA, AUTOSOMAL RECESSIVE, 2. Identifiers: Orphanet 391665, MedGen C1863512, MONDO:0011374, OMIM 603813.
Cardiovascular phenotype. Identifiers: MedGen CN230736.

Allele frequency attached by ClinVar (database versions not stated): gnomAD 0.00005; TOPMed 0.00009; ExAC 0.00013.
gnomAD v4.1: 94 of 1,614,004 alleles (0.0058%); highest among the groups gnomAD compares: Middle Eastern, 0.31%; 1 homozygote.

Submissions (3):

Ambry Genetics
Classification: Likely benign for Cardiovascular phenotype. Last evaluated: 2025-02-04. Review status: criteria provided, single submitter. Criteria: Ambry Variant Classification Scheme 2023. Collection method: clinical testing. Allele origin: germline.

GeneDx
Classification: Uncertain significance. Last evaluated: 2024-01-23. Review status: criteria provided, single submitter. Criteria: GeneDx Variant Classification Process June 2021. Collection method: clinical testing. Allele origin: germline. Affected: yes.
Comment: Observed in an individual with FH in published literature (PMID: 28965616); In silico analysis supports that this missense variant does not alter protein structure/function; This variant is associated with the following publications: (PMID: 28965616)

Labcorp Genetics (formerly Invitae), Labcorp
Classification: Uncertain significance for Hypercholesterolemia, familial, 4. Last evaluated: 2022-05-07. Review status: criteria provided, single submitter. Criteria: Invitae Variant Classification Sherloc (09022015). Collection method: clinical testing. Allele origin: germline.
Comment: This sequence change replaces glycine, which is neutral and non-polar, with alanine, which is neutral and non-polar, at codon 190 of the LDLRAP1 protein (p.Gly190Ala). This variant is present in population databases (rs201198223, gnomAD 0.02%). This missense change has been observed in individual(s) with familial hypercholesterolemia (PMID: 28965616). Algorithms developed to predict the effect of missense changes on protein structure and function output the following: SIFT: "Tolerated"; PolyPhen-2: "Benign"; Align-GVGD: "Class C0". The alanine amino acid residue is found in multiple mammalian species, which suggests that this missense change does not adversely affect protein function. In summary, the available evidence is currently insufficient to determine the role of this variant in disease. Therefore, it has been classified as a Variant of Uncertain Significance.

Literature cited by the submitters: PubMed 28965616 (cited by Labcorp Genetics (formerly Invitae), Labcorp).